The following is an entry in ClinVar:

ClinVar aggregate classification (germline): Likely pathogenic (1 of 4 stars; one submission).

gnomAD v4.1: 1 of 1,614,166 alleles (0.000062%); highest among the groups gnomAD compares: Non-Finnish European, 0.000085%; no homozygotes.

Submission:

Centre of Medical Genetics, University Hospital Muenster
Classification: Likely pathogenic. Last evaluated: 2022-11-17. Review status: criteria provided, single submitter. Criteria: ACMG Guidelines, 2015. Collection method: clinical testing. Allele origin: unknown. Affected: yes. Observed: 1 variant allele, 1 heterozygote.
Comment: ACMG categories: PM2,PM3,PM5,PP1,PP3

NM_020549.5(CHAT):c.1006A>T (p.Ile336Leu)

Gene: CHAT (choline O-acetyltransferase; plus strand). Cytogenetic location: 10q11.23.
Variant type: single nucleotide variant.
Coding change: c.1006A>T on transcript NM_020549.5 (MANE Select); coding-DNA position 1006, A replaced by T.
Protein change: p.Ile336Leu; replaces isoleucine 336 with leucine.
Molecular consequence: missense variant.
Genome position (GRCh38, 1-based): chr10:49,627,680, A>T. VCF-style: chr10-49627680-A-T. GRCh37 (hg19) VCF-style: chr10-50835726-A-T.
Other names: c.652A>T, p.Ile218Leu (NM_001142929.2, NM_001142934.2, NM_020984.4 and 2 more transcripts); c.760A>T, p.Ile254Leu (NM_001142933.2); short protein forms I218L, I254L, I336L.
Identifiers: ClinVar variation 3383387 (VCV003383387.2).